The following is an entry in ClinVar:

NM_001370259.2(MEN1):c.1162G>T (p.Glu388Ter)

Gene: MEN1 (menin 1; minus strand). Cytogenetic location: 11q13.1.
Variant type: single nucleotide variant.
Coding change: c.1162G>T on transcript NM_001370259.2 (MANE Select); coding-DNA position 1162, G replaced by T.
Protein change: p.Glu388Ter; replaces glutamic acid 388 with a stop codon.
Molecular consequence: nonsense. On other transcripts: non-coding transcript variant (4).
Genome position (GRCh38, 1-based): chr11:64,805,658, C>A on the plus strand (G>T on the coding strand, the complement: MEN1 is on the minus strand). VCF-style: chr11-64805658-C-A. GRCh37 (hg19) VCF-style: chr11-64573130-C-A.
Other names: c.1177G>T, p.Glu393Ter (NM_000244.4, NM_001407145.1, NM_130800.3 and 4 more transcripts); c.1288G>T, p.Glu430Ter (NM_001370251.2, NM_001407142.1, NM_001407143.1 and 1 more transcripts); c.1162G>T, p.Glu388Ter (NM_001370260.2, NM_001370261.2, NM_001407146.1 and 3 more transcripts); c.1057G>T, p.Glu353Ter (NM_001370262.2, NM_001370263.2, NM_001407148.1 and 1 more transcripts); c.1303G>T, p.Glu435Ter (NM_001407150.1); c.1183G>T, p.Glu395Ter (NM_001407151.1); short protein forms E388*, E393*, E430*, E353*, E395*, E435*.
Identifiers: ClinVar variation 4646422 (VCV004646422.1).
Genomic context (GRCh38, chr11:64,805,658, plus strand): 5'-GGGAGGCTGGACACAGGCTGGAGCTCCAGCCTTTCACCTGGCTTTGCTCCCCCGGCCGCT[C>A]CTCGCCCGCCTCCAGCAAGCTGGCTGCCTCCTTCAGCAGGTTGGGGATGACATCATTGGC-3'

ClinVar aggregate classification (germline): Pathogenic (1 of 4 stars; one submission).

Conditions:
Hereditary cancer-predisposing syndrome. Also called: Neoplastic Syndromes, Hereditary; Tumor predisposition; Hereditary Cancer Syndrome; Hereditary neoplastic syndrome. Identifiers: Orphanet 140162, MedGen C0027672, MeSH D009386, MONDO:0015356.

Submission:

Ambry Genetics
Classification: Pathogenic for Hereditary cancer-predisposing syndrome. Last evaluated: 2025-11-13. Review status: criteria provided, single submitter. Criteria: Ambry Variant Classification Scheme 2023. Collection method: clinical testing. Allele origin: germline.
Comment: The p.E388* pathogenic mutation (also known as c.1162G>T), located in coding exon 7 of the MEN1 gene, results from a G to T substitution at nucleotide position 1162. This changes the amino acid from a glutamic acid to a stop codon within coding exon 7. This variant was reported in individual(s) with features consistent with multiple endocrine neoplasia type 1 (Tso AW et al. Clin Endocrinol (Oxf), 2003 Jul;59:129-35; Wautot V et al. Hum Mutat, 2002 Jul;20:35-47; Bassett JH et al. Am J Hum Genet, 1998 Feb;62:232-44; Ambry internal data). This variant is considered to be rare based on population cohorts in the Genome Aggregation Database (gnomAD). This alteration is expected to result in loss of function by premature protein truncation or nonsense-mediated mRNA decay. As such, this alteration is interpreted as a disease-causing mutation.

Literature cited by the submitters: PubMed 12112656; PubMed 12807514; PubMed 9463336.